The following is an entry in ClinVar:

NM_001184.4(ATR):c.4816C>T (p.His1606Tyr)

Gene: ATR (ATR checkpoint kinase; minus strand). Cytogenetic location: 3q23.
Variant type: single nucleotide variant.
Coding change: c.4816C>T on transcript NM_001184.4 (MANE Select); coding-DNA position 4816, C replaced by T.
Protein change: p.His1606Tyr; replaces histidine 1606 with tyrosine.
Molecular consequence: missense variant.
Genome position (GRCh38, 1-based): chr3:142,512,296, G>A on the plus strand (C>T on the coding strand, the complement: ATR is on the minus strand). VCF-style: chr3-142512296-G-A. GRCh37 (hg19) VCF-style: chr3-142231138-G-A.
Other names: c.4624C>T, p.His1542Tyr (NM_001354579.2); short protein forms H1542Y, H1606Y.
Identifiers: ClinVar variation 3221185 (VCV003221185.1), dbSNP rs2108371269, ClinGen allele CA354794997.

ClinVar aggregate classification (germline): Uncertain significance (1 of 4 stars; one submission).

Conditions:
Inborn genetic diseases. Identifiers: MedGen C0950123, MeSH D030342.

Allele frequency attached by ClinVar (database versions not stated): gnomAD exomes below 0.00001.
gnomAD v4.1: 1 of 1,610,492 alleles (0.000062%); highest among the groups gnomAD compares: Non-Finnish European, 0.000085%; no homozygotes.

Submission:

Ambry Genetics
Classification: Uncertain significance for Inborn genetic diseases. Last evaluated: 2023-10-05. Review status: criteria provided, single submitter. Criteria: Ambry Variant Classification Scheme 2023. Collection method: clinical testing. Allele origin: germline.
Comment: The p.H1606Y variant (also known as c.4816C>T), located in coding exon 27 of the ATR gene, results from a C to T substitution at nucleotide position 4816. The histidine at codon 1606 is replaced by tyrosine, an amino acid with similar properties. This amino acid position is conserved. In addition, this alteration is predicted to be tolerated by in silico analysis. Since supporting evidence is limited at this time, the clinical significance of this alteration remains unclear.